The following is an entry in ClinVar:

ClinVar aggregate classification (germline): Uncertain significance (1 of 4 stars; one submission).

Allele frequency attached by ClinVar (database versions not stated): gnomAD exomes below 0.00001; TOPMed below 0.00001; gnomAD 0.00001.
gnomAD v4.1: 2 of 1,612,932 alleles (0.00012%); highest among the groups gnomAD compares: Non-Finnish European, 0.00017%; no homozygotes.

Submission:

Labcorp Genetics (formerly Invitae), Labcorp
Classification: Uncertain significance. Last evaluated: 2023-03-20. Review status: criteria provided, single submitter. Criteria: Invitae Variant Classification Sherloc (09022015). Collection method: clinical testing. Allele origin: germline.
Comment: In summary, the available evidence is currently insufficient to determine the role of this variant in disease. Therefore, it has been classified as a Variant of Uncertain Significance. An algorithm developed to predict the effect of missense changes on protein structure and function (PolyPhen-2) suggests that this variant is likely to be tolerated. This variant has not been reported in the literature in individuals affected with DNM1L-related conditions. This variant is not present in population databases (gnomAD no frequency). This sequence change replaces alanine, which is neutral and non-polar, with threonine, which is neutral and polar, at codon 3 of the DNM1L protein (p.Ala3Thr).

NM_012062.5(DNM1L):c.7G>A (p.Ala3Thr)

Gene: DNM1L (dynamin 1 like; plus strand). Cytogenetic location: 12p11.21.
Variant type: single nucleotide variant.
Coding change: c.7G>A on transcript NM_012062.5 (MANE Select); coding-DNA position 7, G replaced by A.
Protein change: p.Ala3Thr; replaces alanine 3 with threonine.
Molecular consequence: missense variant. On other transcripts: 5 prime UTR variant (1).
Genome position (GRCh38, 1-based): chr12:32,679,370, G>A. VCF-style: chr12-32679370-G-A. GRCh37 (hg19) VCF-style: chr12-32832304-G-A.
Other names: c.7G>A, p.Ala3Thr (NM_001278463.2, NM_001278464.2, NM_001278465.2 and 3 more transcripts); c.-199G>A (NM_001278466.2); short protein forms A3T.
Identifiers: ClinVar variation 2876160 (VCV002876160.3), dbSNP rs1384408811, ClinGen allele CA384359099.